The following is an entry in ClinVar:

ClinVar aggregate classification (germline): Uncertain significance (1 of 4 stars; one submission).

Conditions:
HOXB13-related disorder. Also called: HOXB13-related condition; HOXB13-related disorders.

gnomAD v4.1: 1 of 1,613,448 alleles (0.000062%); highest among the groups gnomAD compares: Non-Finnish European, 0.000085%; no homozygotes.

Submission:

PreventionGenetics, part of Exact Sciences
Classification: Uncertain significance for HOXB13-related condition. Last evaluated: 2025-03-10. Review status: criteria provided, single submitter. Criteria: ACMG Guidelines, 2015. Collection method: clinical testing. Allele origin: germline.
Comment: The HOXB13 c.98T>C variant is predicted to result in the amino acid substitution p.Leu33Pro. To our knowledge, this variant has not been reported in the literature or in a large population database (gnomAD), indicating this variant is rare. At the time of reporting, this variant is not in the ClinVar database. At this time, the clinical significance of this variant is uncertain due to the absence of conclusive functional and genetic evidence.

NM_006361.6(HOXB13):c.98T>C (p.Leu33Pro)

Gene: HOXB13 (homeobox B13; minus strand). Cytogenetic location: 17q21.32.
Variant type: single nucleotide variant.
Coding change: c.98T>C on transcript NM_006361.6 (MANE Select); coding-DNA position 98, T replaced by C.
Protein change: p.Leu33Pro; replaces leucine 33 with proline.
Molecular consequence: missense variant.
Genome position (GRCh38, 1-based): chr17:48,728,496, A>G on the plus strand (T>C on the coding strand, the complement: HOXB13 is on the minus strand). VCF-style: chr17-48728496-A-G. GRCh37 (hg19) VCF-style: chr17-46805858-A-G.
Other names: short protein forms L33P.
Identifiers: ClinVar variation 4999851 (VCV004999851.1).